The following is an entry in ClinVar:

NM_014314.4(RIGI):c.571+37A>G

Gene: RIGI (RNA sensor RIG-I; minus strand). Cytogenetic location: 9p21.1.
Variant type: single nucleotide variant.
Coding change: c.571+37A>G on transcript NM_014314.4 (MANE Select); 37 bases into the intron after coding-DNA position 571, A replaced by G.
Molecular consequence: intron variant.
Genome position (GRCh38, 1-based): chr9:32,492,354, T>C on the plus strand (A>G on the coding strand, the complement: RIGI is on the minus strand). VCF-style: chr9-32492354-T-C. GRCh37 (hg19) VCF-style: chr9-32492352-T-C.
Other names: c.-38-934A>G (NM_001385912.1); c.556+37A>G (NM_001385913.1); c.571+37A>G (NM_001385907.1, NM_001385909.1); c.130+37A>G (NM_001385914.1, NM_001385910.1).
Identifiers: ClinVar variation 2688507 (VCV002688507.2), dbSNP rs17289927, ClinGen allele CA5020048.

ClinVar aggregate classification (germline): Benign (1 of 4 stars; one submission).

Allele frequency attached by ClinVar (database versions not stated): 1000 Genomes Project 0.07608; 1000 Genomes Project 30x 0.07636; TOPMed 0.11196; ExAC 0.11765; ESP Exome Variant Server 0.12310.
gnomAD v4.1: 209,362 of 1,610,292 alleles (13%); highest among the groups gnomAD compares: Middle Eastern, 23%; 14,703 homozygotes.

Submission:

Unidad de Genómica Garrahan, Hospital de Pediatría Garrahan
Classification: Benign. Last evaluated: 2024-01-24. Review status: criteria provided, single submitter. Criteria: ACMG Guidelines, 2015. Collection method: clinical testing. Allele origin: germline. Affected: no. Observed: 19 variant alleles.
Comment: This variant is classified as Benign based on local population frequency. This variant was detected in 22% of patients studied by a panel of primary immunodeficiencies. Number of patients: 19. Only high quality variants are reported.